The following is an entry in ClinVar:

NM_006904.7(PRKDC):c.2737C>G (p.Arg913Gly)

Gene: PRKDC (protein kinase, DNA-activated, catalytic subunit; minus strand). Cytogenetic location: 8q11.21.
Variant type: single nucleotide variant.
Coding change: c.2737C>G on transcript NM_006904.7 (MANE Select); coding-DNA position 2737, C replaced by G.
Protein change: p.Arg913Gly; replaces arginine 913 with glycine.
Molecular consequence: missense variant.
Genome position (GRCh38, 1-based): chr8:47,913,945, G>C on the plus strand (C>G on the coding strand, the complement: PRKDC is on the minus strand). VCF-style: chr8-47913945-G-C. GRCh37 (hg19) VCF-style: chr8-48826505-G-C.
Other names: c.2737C>G, p.Arg913Gly (NM_001081640.2); short protein forms R913G.
Identifiers: ClinVar variation 1795361 (VCV001795361.2), dbSNP rs1421552233, ClinGen allele CA371159147.
Genomic context (GRCh38, chr8:47,913,945, plus strand): 5'-TGAAAAATAGAAGTACTTTAGTTTGTCTGTCACTGGCTGTGAGCGCTAATTCTGTGACTC[G>C]AGGCAGGAACACATCCAGGAAAATGACAGGTTTCATCTCTCTAAAGGGCACTGCAAAGCT-3'
Protein context (NP_008835.5, residues 903-923): PVIFLDVFLP[Arg913Gly]VTELALTASD

ClinVar aggregate classification (germline): Uncertain significance (1 of 4 stars; one submission).

gnomAD v4.1: 1 of 1,611,294 alleles (0.000062%); no homozygotes.

Submission:

Ambry Genetics
Classification: Uncertain significance. Last evaluated: 2022-05-26. Review status: criteria provided, single submitter. Criteria: Ambry Variant Classification Scheme 2023. Collection method: clinical testing. Allele origin: germline.
Comment: The p.R913G variant (also known as c.2737C>G), located in coding exon 24 of the PRKDC gene, results from a C to G substitution at nucleotide position 2737. The arginine at codon 913 is replaced by glycine, an amino acid with dissimilar properties. This amino acid position is conserved. In addition, this alteration is predicted to be deleterious by in silico analysis. Since supporting evidence is limited at this time, the clinical significance of this alteration remains unclear.